The following is an entry in ClinVar:

NM_005751.5(AKAP9):c.3858T>G (p.Asp1286Glu)

Gene: AKAP9 (A-kinase anchoring protein 9; plus strand). Cytogenetic location: 7q21.2.
Variant type: single nucleotide variant.
Coding change: c.3858T>G on transcript NM_005751.5 (MANE Select); coding-DNA position 3858, T replaced by G.
Protein change: p.Asp1286Glu; replaces aspartic acid 1286 with glutamic acid.
Molecular consequence: missense variant.
Genome position (GRCh38, 1-based): chr7:92,022,258, T>G. VCF-style: chr7-92022258-T-G. GRCh37 (hg19) VCF-style: chr7-91651572-T-G.
Other names: c.3858T>G, p.Asp1286Glu (NM_147185.3); short protein forms D1286E.
Identifiers: ClinVar variation 4034178 (VCV004034178.1).
Genomic context (GRCh38, chr7:92,022,258, plus strand): 5'-TGTATTTATGTTACTGCTTTTATTCTGTGGTTTTCAATAGATCTGGGGACAGCAGACAGA[T>G]GGTATGAAACTTGAATTTGGAGAAGAAAACCTTCCAAAAGAGGAAACAGAGTTTTTATCA-3'
Protein context (NP_005742.4, residues 1276-1296): RLSKIWGQQT[Asp1286Glu]GMKLEFGEEN

ClinVar aggregate classification (germline): Uncertain significance (1 of 4 stars; one submission).

Conditions:
Cardiovascular phenotype. Identifiers: MedGen CN230736.

gnomAD v4.1: 9 of 1,612,880 alleles (0.00056%); highest among the groups gnomAD compares: Non-Finnish European, 0.00076%; no homozygotes.

Submission:

Ambry Genetics
Classification: Uncertain significance for Cardiovascular phenotype. Last evaluated: 2025-05-26. Review status: criteria provided, single submitter. Criteria: Ambry Variant Classification Scheme 2023. Collection method: clinical testing. Allele origin: germline.
Comment: The p.D1286E variant (also known as c.3858T>G), located in coding exon 13 of the AKAP9 gene, results from a T to G substitution at nucleotide position 3858. The aspartic acid at codon 1286 is replaced by glutamic acid, an amino acid with highly similar properties. This amino acid position is conserved. In addition, this alteration is predicted to be tolerated by in silico analysis. Based on the available evidence, the clinical significance of this variant remains unclear.